The following is an entry in ClinVar:

NM_017617.5(NOTCH1):c.6923G>T (p.Cys2308Phe)

Gene: NOTCH1 (notch receptor 1; minus strand). Cytogenetic location: 9q34.3.
Variant type: single nucleotide variant.
Coding change: c.6923G>T on transcript NM_017617.5 (MANE Select); coding-DNA position 6923, G replaced by T.
Protein change: p.Cys2308Phe; replaces cysteine 2308 with phenylalanine.
Molecular consequence: missense variant.
Genome position (GRCh38, 1-based): chr9:136,496,816, C>A on the plus strand (G>T on the coding strand, the complement: NOTCH1 is on the minus strand). VCF-style: chr9-136496816-C-A. GRCh37 (hg19) VCF-style: chr9-139391268-C-A.
Other names: c.6923G>T (NM_017617.3); short protein forms C2308F.
Identifiers: ClinVar variation 2182660 (VCV002182660.5), dbSNP rs2540421442, ClinGen allele CA375629786.

ClinVar aggregate classification (germline): Uncertain significance. Review status: criteria provided, multiple submitters, no conflicts (2 of 4 stars). 2 submissions from 2 submitters: Uncertain significance (2). Last evaluated 2024-09-08.

Conditions:
Adams-Oliver syndrome 5 (AOS5). Identifiers: Orphanet 974, MedGen C4014970, MONDO:0014459, OMIM 616028.
Familial thoracic aortic aneurysm and aortic dissection (TAAD). Also called: Thoracic aortic aneurysms and dissections. Identifiers: Orphanet 91387, MedGen C4707243, MONDO:0019625.

Submissions (2):

Ambry Genetics
Classification: Uncertain significance for Familial thoracic aortic aneurysm and aortic dissection. Last evaluated: 2024-09-08. Review status: criteria provided, single submitter. Criteria: Ambry Variant Classification Scheme 2023. Collection method: clinical testing. Allele origin: germline.
Comment: The p.C2308F variant (also known as c.6923G>T), located in coding exon 34 of the NOTCH1 gene, results from a G to T substitution at nucleotide position 6923. The cysteine at codon 2308 is replaced by phenylalanine, an amino acid with highly dissimilar properties. This amino acid position is conserved. In addition, this alteration is predicted to be deleterious by in silico analysis. Based on the available evidence, the clinical significance of this variant remains unclear.

Labcorp Genetics (formerly Invitae), Labcorp
Classification: Uncertain significance for Adams-Oliver syndrome 5. Last evaluated: 2022-10-26. Review status: criteria provided, single submitter. Criteria: Invitae Variant Classification Sherloc (09022015). Collection method: clinical testing. Allele origin: germline.
Comment: Advanced modeling of protein sequence and biophysical properties (such as structural, functional, and spatial information, amino acid conservation, physicochemical variation, residue mobility, and thermodynamic stability) performed at Invitae indicates that this missense variant is not expected to disrupt NOTCH1 protein function. This variant has not been reported in the literature in individuals affected with NOTCH1-related conditions. This variant is not present in population databases (gnomAD no frequency). This sequence change replaces cysteine, which is neutral and slightly polar, with phenylalanine, which is neutral and non-polar, at codon 2308 of the NOTCH1 protein (p.Cys2308Phe). In summary, the available evidence is currently insufficient to determine the role of this variant in disease. Therefore, it has been classified as a Variant of Uncertain Significance.